The following is an entry in ClinVar:

NM_000543.5(SMPD1):c.442_446del (p.Trp148fs)

Gene: SMPD1 (sphingomyelin phosphodiesterase 1; plus strand). Cytogenetic location: 11p15.4.
Variant type: Deletion.
Coding change: c.442_446del on transcript NM_000543.5 (MANE Select); coding-DNA positions 442 to 446, 5 bases deleted (TGGAG; older notation c.442_446delTGGAG).
Protein change: p.Trp148fs; shifts the reading frame from tryptophan 148.
Molecular consequence: frameshift variant. On other transcripts: 5 prime UTR variant (1), non-coding transcript variant (1).
Genome position (GRCh38, 1-based): chr11:6,391,507-6,391,511, TGGAG deleted; deleting any 5 consecutive bases within chr11:6,391,506-6,391,511 gives the same sequence; the c. name uses the placement nearest the transcript's 3' end. VCF-style (leftmost placement, unchanged base first): chr11-6391505-TGTGGA-T. GRCh37 (hg19) VCF-style: chr11-6412735-TGTGGA-T.
Other names: c.439_443del, p.Trp147fs (NM_001007593.3); c.442_446del, p.Trp148fs (NM_001318087.2, NM_001365135.2); c.-520_-516del (NM_001318088.2); short protein forms W147fs, W148fs.
Identifiers: ClinVar variation 2627412 (VCV002627412.1), dbSNP rs2493804110, ClinGen allele CA2582341860.

ClinVar aggregate classification (germline): Likely pathogenic (1 of 4 stars; one submission).

Conditions:
Niemann-Pick disease, type A. Also called: Infantile Neurovisceral ASMD (Niemann-Pick Disease Type A; NPD-A); SPHINGOMYELIN LIPIDOSIS; SPHINGOMYELINASE DEFICIENCY. Identifiers: Orphanet 77292, MedGen C0268242, MONDO:0009756, OMIM 257200. Disease mechanism: loss of function.

Submission:

Neuberg Centre For Genomic Medicine, NCGM
Classification: Likely pathogenic for Niemann-Pick disease, type A. Review status: criteria provided, single submitter. Criteria: ACMG Guidelines, 2015. Collection method: clinical testing. Allele origin: germline. Inheritance: Autosomal recessive inheritance. Affected: yes.
Comment: The frameshift deletion p.W148Tfs*8 in SMPD1 (NM_000543.5) has not been reported previously as a pathogenic variant nor as a benign variant, to our knowledge. The p.W148Tfs*8 variant is novel (not in any individuals) in gnomAD Exomes and is novel (not in any individuals) in 1000 Genomes. This variant is predicted to cause loss of normal protein function through protein truncation caused a frameshift mutation. The frame shifted sequence continues 8 residues until a stop codon is reached. The p.W148Tfs*8 variant is a loss of function variant in the gene SMPD1, which is intolerant of Loss of Function variants, as indicated by the presence of existing pathogenic loss of function variant. There are 71 downstream pathogenic loss of function variants, with the furthest variant being 458 residues downstream of the variant p.W148Tfs*8. For these reasons, this variant has been classified as Likely Pathogenic.